The following is an entry in ClinVar:

NM_001243133.2(NLRP3):c.289G>A (p.Ala97Thr)

Gene: NLRP3 (NLR family pyrin domain containing 3; plus strand). Cytogenetic location: 1q44.
Variant type: single nucleotide variant.
Coding change: c.289G>A on transcript NM_001243133.2 (MANE Select); coding-DNA position 289, G replaced by A.
Protein change: p.Ala97Thr; replaces alanine 97 with threonine.
Molecular consequence: missense variant.
Genome position (GRCh38, 1-based): chr1:247,423,241, G>A. VCF-style: chr1-247423241-G-A. GRCh37 (hg19) VCF-style: chr1-247586543-G-A.
Other names: c.289G>A, p.Ala97Thr (NM_001079821.3, NM_001127461.3, NM_001127462.3 and 1 more transcripts); c.295G>A, p.Ala99Thr (NM_004895.5); short protein forms A97T, A99T.
Identifiers: ClinVar variation 3633865 (VCV003633865.2).
Genomic context (GRCh38, chr1:247,423,241, plus strand): 5'-CCTCTGTGATAATAGTTCTGGGTTTTGACACCTTTTTTTTCCCTTTTAGGTTCAGATAAT[G>A]CACGTGTTTCGAATCCCACTGTGATATGCCAGGAAGACAGCATTGAAGAGGAGTGGATGG-3'
Protein context (NP_001230062.1, residues 87-107): RDEPKWGSDN[Ala97Thr]RVSNPTVICQ

ClinVar aggregate classification (germline): Uncertain significance (1 of 4 stars; one submission).

Conditions:
Cryopyrin associated periodic syndrome (CAPS). Identifiers: Orphanet 208650, MedGen C2316212, MONDO:0016168.

gnomAD v4.1: 1 of 1,613,860 alleles (0.000062%); highest among the groups gnomAD compares: Admixed American, 0.0017%; no homozygotes.

Submission:

Labcorp Genetics (formerly Invitae), Labcorp
Classification: Uncertain significance for Cryopyrin associated periodic syndrome. Last evaluated: 2024-10-12. Review status: criteria provided, single submitter. Criteria: Invitae Variant Classification Sherloc (09022015). Collection method: clinical testing. Allele origin: germline.
Comment: This sequence change replaces alanine, which is neutral and non-polar, with threonine, which is neutral and polar, at codon 99 of the NLRP3 protein (p.Ala99Thr). This variant is not present in population databases (gnomAD no frequency). This variant has not been reported in the literature in individuals affected with NLRP3-related conditions. Invitae Evidence Modeling of protein sequence and biophysical properties (such as structural, functional, and spatial information, amino acid conservation, physicochemical variation, residue mobility, and thermodynamic stability) indicates that this missense variant is not expected to disrupt NLRP3 protein function with a negative predictive value of 95%. In summary, the available evidence is currently insufficient to determine the role of this variant in disease. Therefore, it has been classified as a Variant of Uncertain Significance.